The following is an entry in ClinVar:

ClinVar aggregate classification (germline): Uncertain significance (1 of 4 stars; one submission).

Submission:

Labcorp Genetics (formerly Invitae), Labcorp
Classification: Uncertain significance. Last evaluated: 2023-08-18. Review status: criteria provided, single submitter. Criteria: Invitae Variant Classification Sherloc (09022015). Collection method: clinical testing. Allele origin: germline.
Comment: In summary, the available evidence is currently insufficient to determine the role of this variant in disease. Therefore, it has been classified as a Variant of Uncertain Significance. Advanced modeling of protein sequence and biophysical properties (such as structural, functional, and spatial information, amino acid conservation, physicochemical variation, residue mobility, and thermodynamic stability) has been performed at Invitae for this missense variant, however the output from this modeling did not meet the statistical confidence thresholds required to predict the impact of this variant on SETD5 protein function. This variant has not been reported in the literature in individuals affected with SETD5-related conditions. This variant is not present in population databases (gnomAD no frequency). This sequence change replaces leucine, which is neutral and non-polar, with proline, which is neutral and non-polar, at codon 1430 of the SETD5 protein (p.Leu1430Pro).

NM_001080517.3(SETD5):c.4289T>C (p.Leu1430Pro)

Gene: SETD5 (SET domain containing 5; plus strand). Cytogenetic location: 3p25.3.
Variant type: single nucleotide variant.
Coding change: c.4289T>C on transcript NM_001080517.3 (MANE Select); coding-DNA position 4289, T replaced by C.
Protein change: p.Leu1430Pro; replaces leucine 1430 with proline.
Molecular consequence: missense variant.
Genome position (GRCh38, 1-based): chr3:9,476,051, T>C. VCF-style: chr3-9476051-T-C. GRCh37 (hg19) VCF-style: chr3-9517735-T-C.
Other names: c.3995T>C, p.Leu1332Pro (NM_001292043.2, NM_001349451.2); short protein forms L1430P, L1332P.
Identifiers: ClinVar variation 2989334 (VCV002989334.3), dbSNP rs2473996335, ClinGen allele CA351695604.
Genomic context (GRCh38, chr3:9,476,051, plus strand): 5'-ATTCACAGCACTACCCACACCGTGGGAGTGGGGGTGTGCACCAGTACCGACTCCAGCCAC[T>C]GCAAGGGTCAGGAGTCAAGACTCAGACGGGACTTTCCTAGGGCTTCTGGATTTGGGCAAA-3'
Protein context (NP_001073986.1, residues 1420-1440): GGVHQYRLQP[Leu1430Pro]QGSGVKTQTG